The following is an entry in ClinVar:

ClinVar aggregate classification (germline): Uncertain significance (1 of 4 stars; one submission).

Submission:

Labcorp Genetics (formerly Invitae), Labcorp
Classification: Uncertain significance. Last evaluated: 2022-05-26. Review status: criteria provided, single submitter. Criteria: Invitae Variant Classification Sherloc (09022015). Collection method: clinical testing. Allele origin: germline.
Comment: In summary, the available evidence is currently insufficient to determine the role of this variant in disease. Therefore, it has been classified as a Variant of Uncertain Significance. Algorithms developed to predict the effect of sequence changes on RNA splicing suggest that this variant may disrupt the consensus splice site. This variant has not been reported in the literature in individuals affected with A2ML1-related conditions. This variant is not present in population databases (gnomAD no frequency). This sequence change affects an acceptor splice site in intron 6 of the A2ML1 gene. It is expected to disrupt RNA splicing. Variants that disrupt the donor or acceptor splice site typically lead to a loss of protein function (PMID: 16199547), however the current clinical and genetic evidence is not sufficient to establish whether loss-of-function variants in A2ML1 cause disease.

Literature cited by the submitters: PubMed 16199547.

NM_144670.6(A2ML1):c.644-2A>T

Gene: A2ML1 (alpha-2-macroglobulin like 1; plus strand). Cytogenetic location: 12p13.31.
Variant type: single nucleotide variant.
Coding change: c.644-2A>T on transcript NM_144670.6 (MANE Select); the canonical splice acceptor site of the intron before coding-DNA position 644, A replaced by T.
Molecular consequence: splice acceptor variant.
Genome position (GRCh38, 1-based): chr12:8,836,253, A>T. VCF-style: chr12-8836253-A-T. GRCh37 (hg19) VCF-style: chr12-8988849-A-T.
Identifiers: ClinVar variation 1999147 (VCV001999147.4), dbSNP rs202208600, ClinGen allele CA383821713.